The following is an entry in ClinVar:

ClinVar aggregate classification (germline): Benign/Likely benign. Review status: criteria provided, multiple submitters, no conflicts (2 of 4 stars). 3 submissions from 3 submitters: Benign (1); Likely benign (1). 1 of the submissions does not count toward it. Last evaluated 2025-01-01.

Conditions:
Susceptibility to nonsyndromic otitis media.

Allele frequency attached by ClinVar (database versions not stated): 1000 Genomes Project 0.00659; 1000 Genomes Project 30x 0.00671; TOPMed 0.01568; gnomAD exomes 0.01602 and 0.02613; gnomAD 0.01627 and 0.01697; ExAC 0.01724; ESP Exome Variant Server 0.02226.
gnomAD v4.1: 40,350 of 1,612,184 alleles (2.5%); highest among the groups gnomAD compares: Non-Finnish European, 3.1%; 680 homozygotes.

Submissions (3):

CeGaT Center for Human Genetics Tuebingen
Classification: Benign. Last evaluated: 2025-01-01. Review status: criteria provided, single submitter. Criteria: CeGaT Center For Human Genetics Tuebingen Variant Classification Criteria Version 2. Collection method: clinical testing. Allele origin: germline. Affected: yes. Observed: 4 variant alleles.
Comment: CDHR3: BP4, BS1, BS2

Women's Health and Genetics/Laboratory Corporation of America, LabCorp
Classification: Likely benign. Last evaluated: 2023-03-13. Review status: criteria provided, single submitter. Criteria: LabCorp Variant Classification Summary - May 2015. Collection method: clinical testing. Allele origin: germline.
Comment: Variant summary: CDHR3 c.1653+3G>A alters a conserved nucleotide located close to a canonical splice site and therefore could affect mRNA splicing, leading to a significantly altered protein sequence. 4/4 computational tools predict no significant impact on normal splicing. However, these predictions have yet to be confirmed by functional studies. The variant allele was found at a frequency of 0.016 in 247498 control chromosomes, predominantly at a frequency of 0.027 within the Non-Finnish European subpopulation in the gnomAD database, including 50 homozygotes. c.1653+3G>A has been reported in the literature in families affected with Otitis Media, showing incomplete segregation with disease (Hirsch_2021). To our knowledge, no experimental evidence demonstrating an impact on protein function has been reported. No clinical diagnostic laboratories have submitted clinical-significance assessments for this variant to ClinVar after 2014. Based on the evidence outlined above, the variant was classified as likely benign.

Santos-Cortez Lab, University of Colorado School of Medicine
Classification: Pathogenic for Susceptibility to nonsyndromic otitis media. Last evaluated: 2013-02-01. Review status: no assertion criteria provided. Collection method: research. Allele origin: germline. Affected: yes. Not counted in ClinVar's aggregate classification.

Literature cited by the submitters: PubMed 34322716 (cited by Women's Health and Genetics/Laboratory Corporation of America, LabCorp).

NM_152750.5(CDHR3):c.1653+3G>A

Gene: CDHR3 (cadherin related family member 3; plus strand). Cytogenetic location: 7q22.3.
Variant type: single nucleotide variant.
Coding change: c.1653+3G>A on transcript NM_152750.5 (MANE Select); 3 bases into the intron after coding-DNA position 1653, G replaced by A.
Molecular consequence: intron variant.
Genome position (GRCh38, 1-based): chr7:106,018,075, G>A. VCF-style: chr7-106018075-G-A. GRCh37 (hg19) VCF-style: chr7-105658521-G-A.
Other names: c.1653+3G>A; c.1389+3G>A (NM_001301161.2).
Identifiers: ClinVar variation 1294434 (VCV001294434.26), dbSNP rs117797654, ClinGen allele CA4427922.